The following is an entry in ClinVar:

NM_000108.5(DLD):c.991C>G (p.Leu331Val)

Gene: DLD (dihydrolipoamide dehydrogenase; plus strand). Cytogenetic location: 7q31.1.
Variant type: single nucleotide variant.
Coding change: c.991C>G on transcript NM_000108.5 (MANE Select); coding-DNA position 991, C replaced by G.
Protein change: p.Leu331Val; replaces leucine 331 with valine.
Molecular consequence: missense variant.
Genome position (GRCh38, 1-based): chr7:107,916,909, C>G. VCF-style: chr7-107916909-C-G. GRCh37 (hg19) VCF-style: chr7-107557354-C-G.
Other names: c.694C>G, p.Leu232Val (NM_001289750.1); c.922C>G, p.Leu308Val (NM_001289751.1); c.847C>G, p.Leu283Val (NM_001289752.1); short protein forms L308V, L283V, L232V, L331V.
Identifiers: ClinVar variation 2152905 (VCV002152905.1), dbSNP rs17624, ClinGen allele CA4434607.

ClinVar aggregate classification (germline): Uncertain significance (1 of 4 stars; one submission).

Conditions:
Pyruvate dehydrogenase E3 deficiency (DLDD). Also called: Dihydrolipoamide Dehydrogenase Deficiency; MAPLE SYRUP URINE DISEASE, TYPE III; DLD DEFICIENCY; E3 DEFICIENCY; Dihydrolipoamide Dehydrogenase (E3) Deficiency; Dihydrolipoamide Dehydrogenase E3 Deficiency. Identifiers: Orphanet 2394, Orphanet 765, MedGen C5574660, MONDO:0009529, OMIM 246900.

Allele frequency attached by ClinVar (database versions not stated): gnomAD exomes 0.00002; ExAC 0.00003; gnomAD 0.00003; TOPMed 0.00006.
gnomAD v4.1: 31 of 1,613,594 alleles (0.0019%); highest among the groups gnomAD compares: Admixed American, 0.038%; no homozygotes.

Submission:

Labcorp Genetics (formerly Invitae), Labcorp
Classification: Uncertain significance for Pyruvate dehydrogenase E3 deficiency. Last evaluated: 2022-10-03. Review status: criteria provided, single submitter. Criteria: Invitae Variant Classification Sherloc (09022015). Collection method: clinical testing. Allele origin: germline.
Comment: This sequence change replaces leucine, which is neutral and non-polar, with valine, which is neutral and non-polar, at codon 331 of the DLD protein (p.Leu331Val). This variant is present in population databases (rs17624, gnomAD 0.04%). This variant has not been reported in the literature in individuals affected with DLD-related conditions. Advanced modeling of protein sequence and biophysical properties (such as structural, functional, and spatial information, amino acid conservation, physicochemical variation, residue mobility, and thermodynamic stability) performed at Invitae indicates that this missense variant is not expected to disrupt DLD protein function. In summary, the available evidence is currently insufficient to determine the role of this variant in disease. Therefore, it has been classified as a Variant of Uncertain Significance.